The following is an entry in ClinVar:

NM_007035.4(KERA):c.967C>T (p.Arg323Cys)

Gene: KERA (keratocan; minus strand). Cytogenetic location: 12q21.33.
Variant type: single nucleotide variant.
Coding change: c.967C>T on transcript NM_007035.4 (MANE Select); coding-DNA position 967, C replaced by T.
Protein change: p.Arg323Cys; replaces arginine 323 with cysteine.
Molecular consequence: missense variant.
Genome position (GRCh38, 1-based): chr12:91,051,438, G>A on the plus strand (C>T on the coding strand, the complement: KERA is on the minus strand). VCF-style: chr12-91051438-G-A. GRCh37 (hg19) VCF-style: chr12-91445215-G-A.
Other names: short protein forms R323C.
Identifiers: ClinVar variation 1896764 (VCV001896764.6), dbSNP rs148063461, ClinGen allele CA6716452.
Genomic context (GRCh38, chr12:91,051,438, plus strand): 5'-AGGTCATTAAAGCCATTGGAATTGGTGGTTTGATTTCATTTCCATCCAGACGGAGGTAGC[G>A]AAGATGAGGTCCATAACTGAAGGAATCTCGTTCTGCAGGCAGCATGGATGGGCTGGGACA-3'
Protein context (NP_008966.1, residues 313-333): RDSFSYGPHL[Arg323Cys]YLRLDGNEIK

ClinVar aggregate classification (germline): Uncertain significance. Review status: criteria provided, multiple submitters, no conflicts (2 of 4 stars). 2 submissions from 2 submitters: Uncertain significance (2). Last evaluated 2023-08-04.

Allele frequency attached by ClinVar (database versions not stated): gnomAD exomes 0.00001; ExAC 0.00004; gnomAD 0.00005; TOPMed 0.00005; ESP Exome Variant Server 0.00015.
gnomAD v4.1: 19 of 1,610,734 alleles (0.0012%); highest among the groups gnomAD compares: Middle Eastern, 0.033%; no homozygotes.

Submissions (2):

Labcorp Genetics (formerly Invitae), Labcorp
Classification: Uncertain significance. Last evaluated: 2023-08-04. Review status: criteria provided, single submitter. Criteria: Invitae Variant Classification Sherloc (09022015). Collection method: clinical testing. Allele origin: germline.
Comment: This sequence change replaces arginine, which is basic and polar, with cysteine, which is neutral and slightly polar, at codon 323 of the KERA protein (p.Arg323Cys). This variant is present in population databases (rs148063461, gnomAD 0.02%). This variant has not been reported in the literature in individuals affected with KERA-related conditions. ClinVar contains an entry for this variant (Variation ID: 1896764). An algorithm developed to predict the effect of missense changes on protein structure and function (PolyPhen-2) suggests that this variant is likely to be disruptive. In summary, the available evidence is currently insufficient to determine the role of this variant in disease. Therefore, it has been classified as a Variant of Uncertain Significance.

Ambry Genetics
Classification: Uncertain significance. Last evaluated: 2022-12-21. Review status: criteria provided, single submitter. Criteria: Ambry Variant Classification Scheme 2023. Collection method: clinical testing. Allele origin: germline.